The following is an entry in ClinVar:

ClinVar aggregate classification (germline): Pathogenic/Likely pathogenic. Review status: criteria provided, multiple submitters, no conflicts (2 of 4 stars). 7 submissions from 6 submitters: Pathogenic (3); Likely pathogenic (3). 1 of the submissions does not count toward it. Last evaluated 2025-11-20.

Conditions:
SMARCA2-related BAFopathy.
Blepharophimosis-impaired intellectual development syndrome. Identifiers: Orphanet 637013, MedGen C5443984, MONDO:0859139, OMIM 619293.
Intellectual disability. Also called: Intellectual functioning disability; Intellectual developmental disorder; intellectual disabilities. Identifiers: MedGen C3714756, MeSH D008607, MONDO:0001071, HP:0001249.
Nicolaides-Baraitser syndrome (NCBRS). Also called: SMARCA2-Related Nicolaides-Baraitser Syndrome; Intellectual disability-sparse hair-brachydactyly syndrome. Identifiers: Orphanet 3051, MedGen C1303073, MONDO:0011053, OMIM 601358.
Inborn genetic diseases. Identifiers: MedGen C0950123, MeSH D030342.

Allele frequency attached by ClinVar (database versions not stated): gnomAD exomes below 0.00001.
gnomAD v4.1: 1 of 1,591,370 alleles (0.000063%); highest among the groups gnomAD compares: East Asian, 0.0023%; no homozygotes.

Submissions (7):

Dasa
Classification: Likely pathogenic. Last evaluated: 2025-11-20. Review status: criteria provided, single submitter. Criteria: DASA Assertion Criteria. Collection method: clinical testing. Allele origin: germline.
Comment: NM_003070.5(SMARCA2):c.2810G>A (p.Arg937His) is a missense variant that results in the substitution of arginine with histidine. The affected residue or protein region has prior evidence supporting clinical relevance. This variant has been recurrently observed in individuals with SMARCA2-related disorders (PMID: 32694869; PMID: 27479843; PMID: 30279698). This variant has been reported as a de novo occurrence in an affected individual (PMID: 27479843; PMID: 29051493). Also, this variant is rare in population databases. Computational evidence supports a deleterious effect. Based on the currently available evidence, this variant is classified as likely pathogenic.

GeneDx
Classification: Pathogenic. Last evaluated: 2022-02-18. Review status: criteria provided, single submitter. Criteria: GeneDx Variant Classification Process June 2021. Collection method: clinical testing. Allele origin: germline. Affected: yes.
Comment: Not observed in large population cohorts (gnomAD); In silico analysis supports that this missense variant has a deleterious effect on protein structure/function; This variant is associated with the following publications: (PMID: 32694869)

Ambry Genetics
Classification: Pathogenic for Inborn genetic diseases. Last evaluated: 2021-11-09. Review status: criteria provided, single submitter. Criteria: Ambry Variant Classification Scheme 2023. Collection method: clinical testing. Allele origin: germline.
Comment: The c.2810G>A (p.R937H) alteration is located in exon 19 (coding exon 18) of the SMARCA2 gene. This alteration results from a G to A substitution at nucleotide position 2810, causing the arginine (R) at amino acid position 937 to be replaced by a histidine (H). This variant was not reported in population-based cohorts in the Genome Aggregation Database (gnomAD). The c.2810G>A (p.R937H) alteration was reported de novo in a patient who presented with severe developmental delay and intellectual disability, blepharophimosis, hypotonia, postnatal growth delay, vision problems, and dysmorphic features but lacking the common facial gestalt of Nicolaides-Baraitser syndrome (Cappuccio, 2020). Additionally, this alteration has been reported de novo once from a cohort of patients with intellectual disability (Lelieveld, 2016). This amino acid position is highly conserved in available vertebrate species. This missense alteration is located in a region that has a low rate of benign missense variation (Lek, 2016; Firth, 2009). Based on internal structural analysis, R937H is negligibly destabilizing to the linker between helicase domains in SMARCA2, in a region with no internally classified variants (Liu, 2017; Xia, 2016). This alteration is predicted to be deleterious by in silico analysis. Based on the available evidence, this alteration is classified as pathogenic.

Baylor Genetics
Classification: Likely pathogenic for SMARCA2-related BAFopathy. Last evaluated: 2021-06-10. Review status: criteria provided, single submitter. Criteria: ACMG Guidelines, 2015. Collection method: clinical testing. Allele origin: de novo. Affected: yes.

Baylor Genetics
Classification: Likely pathogenic for Nicolaides-Baraitser syndrome. Last evaluated: 2020-02-17. Review status: criteria provided, single submitter. Criteria: ACMG Guidelines, 2015. Collection method: clinical testing. Allele origin: unknown. Affected: yes.
Comment: This variant was determined to be likely pathogenic according to ACMG Guidelines, 2015 [PMID:25741868].

Imagene.me medical diagnostic laboratory, IMAGENE.ME SA
Classification: Pathogenic for Blepharophimosis-impaired intellectual development syndrome. Review status: criteria provided, single submitter. Criteria: IMAGENE.ME Variant Classification SOP 2022. Collection method: clinical testing. Allele origin: germline. Affected: yes.
Comment: Classified according to the IMAGENE.ME variant classification SOP based on the ACMG guidelines as Pathogenic (P): PS4_Supporting + PM1 + PM2 + PM5 + PP3_Moderate + PP2 + PP4 + PP5

Fondazione Telethon, Telethon Institute of Genetics and Medicine
Classification: Likely pathogenic for Intellectual disability. Review status: no assertion criteria provided. Collection method: clinical testing. Allele origin: de novo. Inheritance: Autosomal dominant inheritance. Affected: yes. Not counted in ClinVar's aggregate classification.

Literature cited by the submitters: PubMed 32694869 (cited by Dasa and Ambry Genetics); PubMed 27479843 (cited by Dasa and Ambry Genetics); PubMed 30279698 (cited by Dasa); PubMed 29051493 (cited by Dasa); PubMed 27399259 (cited by Ambry Genetics); PubMed 28424519 (cited by Ambry Genetics).

NM_003070.5(SMARCA2):c.2810G>A (p.Arg937His)

Gene: SMARCA2 (SWI/SNF related BAF chromatin remodeling complex subunit ATPase 2; plus strand). Cytogenetic location: 9p24.3.
Variant type: single nucleotide variant.
Coding change: c.2810G>A on transcript NM_003070.5 (MANE Select); coding-DNA position 2810, G replaced by A.
Protein change: p.Arg937His; replaces arginine 937 with histidine.
Molecular consequence: missense variant.
Genome position (GRCh38, 1-based): chr9:2,088,540, G>A. VCF-style: chr9-2088540-G-A. GRCh37 (hg19) VCF-style: chr9-2088540-G-A.
Other names: c.2810G>A, p.Arg937His (NM_001289396.2, NM_139045.4); c.2636G>A, p.Arg879His (NM_001289397.2); short protein forms R879H, R937H.
Identifiers: ClinVar variation 827774 (VCV000827774.15), dbSNP rs1586692551, ClinGen allele CA372785454.
Genomic context (GRCh38, chr9:2,088,540, plus strand): 5'-ATAATAAGCCTCTCTTACAGGTGGACTTAAATGAAGAAGAAACTATATTGATCATCAGGC[G>A]TCTACATAAGGTGTTAAGACCATTTTTACTAAGGAGACTGAAGAAAGAAGTTGAATCCCA-3'
Protein context (NP_003061.3, residues 927-947): NEEETILIIR[Arg937His]LHKVLRPFLL